The following is an entry in ClinVar:

ClinVar aggregate classification (germline): Uncertain significance (1 of 4 stars; one submission).

Submission:

Ambry Genetics
Classification: Uncertain significance. Last evaluated: 2025-08-08. Review status: criteria provided, single submitter. Criteria: Ambry Variant Classification Scheme 2023. Collection method: clinical testing. Allele origin: germline.
Comment: The p.D692V variant (also known as c.2075A>T), located in coding exon 13 of the GEN1 gene, results from an A to T substitution at nucleotide position 2075. The aspartic acid at codon 692 is replaced by valine, an amino acid with highly dissimilar properties. This amino acid position is conserved. In addition, this alteration is predicted to be tolerated by in silico analysis. Based on the available evidence, the clinical significance of this variant remains unclear.

NM_001130009.3(GEN1):c.2075A>T (p.Asp692Val)

Gene: GEN1 (GEN1 Holliday junction 5' flap endonuclease; plus strand). Cytogenetic location: 2p24.2.
Variant type: single nucleotide variant.
Coding change: c.2075A>T on transcript NM_001130009.3 (MANE Select); coding-DNA position 2075, A replaced by T.
Protein change: p.Asp692Val; replaces aspartic acid 692 with valine.
Molecular consequence: missense variant.
Genome position (GRCh38, 1-based): chr2:17,781,287, A>T. VCF-style: chr2-17781287-A-T. GRCh37 (hg19) VCF-style: chr2-17962554-A-T.
Other names: c.2075A>T, p.Asp692Val (NM_182625.5); short protein forms D692V.
Identifiers: ClinVar variation 4263071 (VCV004263071.1).
Genomic context (GRCh38, chr2:17,781,287, plus strand): 5'-TGCCTTTAAAGGAACGAATATTTACAAAATTATCATATCCTCAGGATAATCTACAACCAG[A>T]TGTCAACCTGAAAACTTTGTCCATACTTAGTGTAAAAGAATCTTGTATTGCTAACAGTGG-3'
Protein context (NP_001123481.3, residues 682-702): LSYPQDNLQP[Asp692Val]VNLKTLSILS